The following is an entry in ClinVar:

NM_005245.4(FAT1):c.1312G>A (p.Val438Ile)

Gene: FAT1 (FAT atypical cadherin 1; minus strand). Cytogenetic location: 4q35.2.
Variant type: single nucleotide variant.
Coding change: c.1312G>A on transcript NM_005245.4 (MANE Select); coding-DNA position 1312, G replaced by A.
Protein change: p.Val438Ile; replaces valine 438 with isoleucine.
Molecular consequence: missense variant.
Genome position (GRCh38, 1-based): chr4:186,708,516, C>T on the plus strand (G>A on the coding strand, the complement: FAT1 is on the minus strand). VCF-style: chr4-186708516-C-T. GRCh37 (hg19) VCF-style: chr4-187629670-C-T.
Other names: short protein forms V438I.
Identifiers: ClinVar variation 2060922 (VCV002060922.4), dbSNP rs2126697104, ClinGen allele CA358989389.

ClinVar aggregate classification (germline): Uncertain significance (1 of 4 stars; one submission).

Submission:

Labcorp Genetics (formerly Invitae), Labcorp
Classification: Uncertain significance. Last evaluated: 2023-04-24. Review status: criteria provided, single submitter. Criteria: Invitae Variant Classification Sherloc (09022015). Collection method: clinical testing. Allele origin: germline.
Comment: In summary, the available evidence is currently insufficient to determine the role of this variant in disease. Therefore, it has been classified as a Variant of Uncertain Significance. Algorithms developed to predict the effect of missense changes on protein structure and function output the following: SIFT: "Not Available"; PolyPhen-2: "Benign"; Align-GVGD: "Not Available". The isoleucine amino acid residue is found in multiple mammalian species, which suggests that this missense change does not adversely affect protein function. ClinVar contains an entry for this variant (Variation ID: 2060922). This variant has not been reported in the literature in individuals affected with FAT1-related conditions. This variant is not present in population databases (gnomAD no frequency). This sequence change replaces valine, which is neutral and non-polar, with isoleucine, which is neutral and non-polar, at codon 438 of the FAT1 protein (p.Val438Ile).